The following is an entry in ClinVar:

ClinVar aggregate classification (germline): Likely benign (1 of 4 stars; one submission).

Allele frequency attached by ClinVar (database versions not stated): gnomAD 0.00001; TOPMed 0.00002; gnomAD exomes 0.00003.
gnomAD v4.1: 49 of 1,609,816 alleles (0.003%); highest among the groups gnomAD compares: Non-Finnish European, 0.004%; no homozygotes.

Submission:

GeneDx
Classification: Likely benign. Last evaluated: 2018-03-29. Review status: criteria provided, single submitter. Criteria: GeneDx Variant Classification (06012015). Collection method: clinical testing. Allele origin: germline. Affected: yes.
Comment: This variant is considered likely benign or benign based on one or more of the following criteria: it is a conservative change, it occurs at a poorly conserved position in the protein, it is predicted to be benign by multiple in silico algorithms, and/or has population frequency not consistent with disease.

NM_018475.5(TMEM165):c.433+20T>G

Gene: TMEM165 (transmembrane protein 165; plus strand). Cytogenetic location: 4q12.
Variant type: single nucleotide variant.
Coding change: c.433+20T>G on transcript NM_018475.5 (MANE Select); 20 bases into the intron after coding-DNA position 433, T replaced by G.
Molecular consequence: intron variant.
Genome position (GRCh38, 1-based): chr4:55,411,859, T>G. VCF-style: chr4-55411859-T-G. GRCh37 (hg19) VCF-style: chr4-56278026-T-G.
Identifiers: ClinVar variation 680438 (VCV000680438.1), dbSNP rs924305792, ClinGen allele CA96882358.
Genomic context (GRCh38, chr4:55,411,859, plus strand): 5'-TGGTGCAATGCTTGCCTTGGGACTAATGACATGCTTGTCAGGTGAGTGTGCTTTTCCCTC[T>G]CATGAGTTCGCTGAATTAAAGGGAAAGCGTGTTGTGTGACATGGAGTCACTGAGTCATTA-3'